The following is an entry in ClinVar:

NM_001848.3(COL6A1):c.932G>A (p.Gly311Asp)

Gene: COL6A1 (collagen type VI alpha 1 chain; plus strand). Cytogenetic location: 21q22.3.
Variant type: single nucleotide variant.
Coding change: c.932G>A on transcript NM_001848.3 (MANE Select); coding-DNA position 932, G replaced by A.
Protein change: p.Gly311Asp; replaces glycine 311 with aspartic acid.
Molecular consequence: missense variant.
Genome position (GRCh38, 1-based): chr21:45,990,259, G>A. VCF-style: chr21-45990259-G-A. GRCh37 (hg19) VCF-style: chr21-47410173-G-A.
Other names: short protein forms G311D.
Identifiers: ClinVar variation 289651 (VCV000289651.16), dbSNP rs886044231, ClinGen allele CA10606509.

ClinVar aggregate classification (germline): Pathogenic. Review status: criteria provided, multiple submitters, no conflicts (2 of 4 stars). 4 submissions from 4 submitters: Pathogenic (4). Last evaluated 2026-07-30.

Conditions:
Bethlem myopathy 1A. Also called: MYOPATHY, BENIGN CONGENITAL, WITH CONTRACTURES; Bethlem myopathy 1; Bethlem Muscular Dystrophy. Identifiers: Orphanet 610, MedGen CN029274, MONDO:0024530, OMIM 158810.

Submissions (4):

GeneDx
Classification: Pathogenic. Last evaluated: 2026-07-30. Review status: criteria provided, single submitter. Criteria: GeneDx Variant Classification Process June 2021. Collection method: clinical testing. Allele origin: germline.
Comment: Replaces the glycine in the canonical Gly-X-Y repeat of the triple helical domain and is expected to disrupt normal protein folding and function, which is an established mechanism of disease (HGMD); Not observed at significant frequency in large population cohorts (gnomAD); In silico analysis supports that this missense variant has a deleterious effect on protein structure/function; This variant is associated with the following publications: (PMID: 40225934, 35982159, 33057194, 33441455, 30564623, 37688281, 24271325)

Labcorp Genetics (formerly Invitae), Labcorp
Classification: Pathogenic for Bethlem myopathy 1A. Last evaluated: 2022-01-11. Review status: criteria provided, single submitter. Criteria: Invitae Variant Classification Sherloc (09022015). Collection method: clinical testing. Allele origin: germline.
Comment: For these reasons, this variant has been classified as Pathogenic. This missense change has been observed in individual(s) with clinical features of autosomal dominant COL6A1-related myopathy (PMID: 24271325; Invitae). In at least one individual the variant was observed to be de novo. ClinVar contains an entry for this variant (Variation ID: 289651). Algorithms developed to predict the effect of missense changes on protein structure and function are either unavailable or do not agree on the potential impact of this missense change (SIFT: "Deleterious"; PolyPhen-2: "Not Available"; Align-GVGD: "Class C0"). This variant disrupts the triple helix domain of COL6A1. Glycine residues within the Gly-Xaa-Yaa repeats of the triple helix domain are required for the structure and stability of fibrillar collagens (PMID: 7695699, 8218237, 19344236). In COL6A1, variants at these glycine residues are significantly enriched in individuals with autosomal dominant disease (PMID: 15689448, 24038877) compared to the general population (ExAC). This variant is not present in population databases (gnomAD no frequency). This sequence change replaces glycine, which is neutral and non-polar, with aspartic acid, which is acidic and polar, at codon 311 of the COL6A1 protein (p.Gly311Asp).

Revvity Omics, Revvity
Classification: Pathogenic. Last evaluated: 2019-12-19. Review status: criteria provided, single submitter. Criteria: ACMG Guidelines, 2015. Collection method: clinical testing. Allele origin: germline.

Eurofins Ntd Llc (ga)
Classification: Pathogenic. Last evaluated: 2016-08-15. Review status: criteria provided, single submitter. Criteria: EGL Classification Definitions 2015. Collection method: clinical testing. Allele origin: germline. Observed: 1 variant allele, 1 heterozygote.

Literature cited by the submitters: PubMed 24271325 (cited by Labcorp Genetics (formerly Invitae), Labcorp and Eurofins Ntd Llc (ga)); PubMed 7695699 (cited by Labcorp Genetics (formerly Invitae), Labcorp); PubMed 8218237 (cited by Labcorp Genetics (formerly Invitae), Labcorp); PubMed 19344236 (cited by Labcorp Genetics (formerly Invitae), Labcorp); PubMed 15689448 (cited by Labcorp Genetics (formerly Invitae), Labcorp); PubMed 24038877 (cited by Labcorp Genetics (formerly Invitae), Labcorp).